The following is an entry in ClinVar:

NM_005422.4(TECTA):c.3442G>A (p.Glu1148Lys)

Genes: TBCEL-TECTA (TBCEL-TECTA readthrough; plus strand), TECTA (tectorin alpha; plus strand). Cytogenetic location: 11q23.3.
Variant type: single nucleotide variant.
Coding change: c.3442G>A on transcript NM_005422.4 (MANE Select); coding-DNA position 3442, G replaced by A.
Protein change: p.Glu1148Lys; replaces glutamic acid 1148 with lysine.
Molecular consequence: missense variant.
Genome position (GRCh38, 1-based): chr11:121,137,921, G>A. VCF-style: chr11-121137921-G-A. GRCh37 (hg19) VCF-style: chr11-121008630-G-A.
Other names: c.4399G>A, p.Glu1467Lys (NM_001378761.1); short protein forms E1148K, E1467K.
Identifiers: ClinVar variation 3368162 (VCV003368162.1).
Genomic context (GRCh38, chr11:121,137,921, plus strand): 5'-ACCACAGGAAGCAGGCCAAGCTCAGACTCTTTCCCCAAGTTTGTTGTCACAGCCAAGAAT[G>A]AGGACCGGGACCCGTCACTGGCCTTGTGGGTTAAGCAGGTGGACGTGACCGTGTTTGGCT-3'
Protein context (NP_005413.2, residues 1138-1158): FPKFVVTAKN[Glu1148Lys]DRDPSLALWV

ClinVar aggregate classification (germline): Uncertain significance (1 of 4 stars; one submission).

gnomAD v4.1: 1 of 1,604,652 alleles (0.000062%); highest among the groups gnomAD compares: Non-Finnish European, 0.000085%; no homozygotes.

Submission:

GeneDx
Classification: Uncertain significance. Last evaluated: 2024-01-23. Review status: criteria provided, single submitter. Criteria: GeneDx Variant Classification Process June 2021. Collection method: clinical testing. Allele origin: germline. Affected: yes.
Comment: Not observed at significant frequency in large population cohorts (gnomAD); In silico analysis supports that this missense variant has a deleterious effect on protein structure/function; Has not been previously published as pathogenic or benign to our knowledge; This variant is associated with the following publications: (PMID: 21520338, 31554319, 9590290)